The following is an entry in ClinVar:

NM_001042492.3(NF1):c.5941A>G (p.Met1981Val)

Gene: NF1 (neurofibromin 1; plus strand). Cytogenetic location: 17q11.2.
Variant type: single nucleotide variant.
Coding change: c.5941A>G on transcript NM_001042492.3 (MANE Select); coding-DNA position 5941, A replaced by G.
Protein change: p.Met1981Val; replaces methionine 1981 with valine.
Molecular consequence: missense variant.
Genome position (GRCh38, 1-based): chr17:31,334,966, A>G. VCF-style: chr17-31334966-A-G. GRCh37 (hg19) VCF-style: chr17-29661984-A-G.
Other names: c.5878A>G, p.Met1960Val (NM_000267.4); short protein forms M1960V, M1981V.
Identifiers: ClinVar variation 481916 (VCV000481916.11), dbSNP rs762935987, ClinGen allele CA8487275.

ClinVar aggregate classification (germline): Uncertain significance. Review status: criteria provided, multiple submitters, no conflicts (2 of 4 stars). 2 submissions from 2 submitters: Uncertain significance (2). Last evaluated 2025-11-03.

Conditions:
Cardiovascular phenotype. Identifiers: MedGen CN230736.
Hereditary cancer-predisposing syndrome. Also called: Hereditary neoplastic syndrome; Neoplastic Syndromes, Hereditary; Tumor predisposition; Hereditary Cancer Syndrome. Identifiers: Orphanet 140162, MedGen C0027672, MeSH D009386, MONDO:0015356.
Neurofibromatosis, type 1 (NF1). Also called: VON RECKLINGHAUSEN DISEASE; Peripheral type neurofibromatosis; NEUROFIBROMATOSIS, TYPE I, SOMATIC; Neurofibromatosis, type I. Identifiers: Orphanet 636, MedGen C0027831, MONDO:0018975, OMIM 162200. Disease mechanism: loss of function.

Allele frequency attached by ClinVar (database versions not stated): TOPMed below 0.00001; gnomAD exomes 0.00001; ExAC 0.00002.

Submissions (2):

Labcorp Genetics (formerly Invitae), Labcorp
Classification: Uncertain significance for Neurofibromatosis, type 1. Last evaluated: 2025-11-03. Review status: criteria provided, single submitter. Criteria: Invitae Variant Classification Sherloc (09022015). Collection method: clinical testing. Allele origin: germline.
Comment: This sequence change replaces methionine, which is neutral and non-polar, with valine, which is neutral and non-polar, at codon 1960 of the NF1 protein (p.Met1960Val). This variant is present in population databases (rs762935987, gnomAD 0.002%). This variant has not been reported in the literature in individuals affected with NF1-related conditions. ClinVar contains an entry for this variant (Variation ID: 481916). Invitae Evidence Modeling of protein sequence and biophysical properties (such as structural, functional, and spatial information, amino acid conservation, physicochemical variation, residue mobility, and thermodynamic stability) has been performed for this missense variant. However, the output from this modeling did not meet the statistical confidence thresholds required to predict the impact of this variant on NF1 protein function. In summary, the available evidence is currently insufficient to determine the role of this variant in disease. Therefore, it has been classified as a Variant of Uncertain Significance.

Ambry Genetics
Classification: Uncertain significance for Cardiovascular phenotype; Hereditary cancer-predisposing syndrome. Last evaluated: 2025-05-09. Review status: criteria provided, single submitter. Criteria: Ambry Variant Classification Scheme 2023. Collection method: clinical testing. Allele origin: germline.
Comment: The p.M1960V variant (also known as c.5878A>G), located in coding exon 39 of the NF1 gene, results from an A to G substitution at nucleotide position 5878. The methionine at codon 1960 is replaced by valine, an amino acid with highly similar properties. This amino acid position is highly conserved in available vertebrate species. In addition, this alteration is predicted to be deleterious by in silico analysis. Based on the available evidence, the clinical significance of this variant remains unclear.